The following is an entry in ClinVar:

NM_004855.5(PIGB):c.1312C>G (p.Pro438Ala)

Gene: PIGB (phosphatidylinositol glycan anchor biosynthesis class B; plus strand). Cytogenetic location: 15q21.3.
Variant type: single nucleotide variant.
Coding change: c.1312C>G on transcript NM_004855.5 (MANE Select); coding-DNA position 1312, C replaced by G.
Protein change: p.Pro438Ala; replaces proline 438 with alanine.
Molecular consequence: missense variant.
Genome position (GRCh38, 1-based): chr15:55,350,887, C>G. VCF-style: chr15-55350887-C-G. GRCh37 (hg19) VCF-style: chr15-55643085-C-G.
Other names: short protein forms P438A.
Identifiers: ClinVar variation 2109604 (VCV002109604.4), dbSNP rs2543144944, ClinGen allele CA392543810.
Genomic context (GRCh38, chr15:55,350,887, plus strand): 5'-ATTCAAAAAGTTTGTTACAACAATCCCAATAAATCTTCAGCTTCAATATTTATAATGATG[C>G]CTTGCCACTCTACTCCTTATTACAGGTAATAAAAGATGTTCCACTATATGCTGTTAAGAA-3'
Protein context (NP_004846.4, residues 428-448): KSSASIFIMM[Pro438Ala]CHSTPYYSHV

ClinVar aggregate classification (germline): Uncertain significance (1 of 4 stars; one submission).

Submission:

Labcorp Genetics (formerly Invitae), Labcorp
Classification: Uncertain significance. Last evaluated: 2023-05-15. Review status: criteria provided, single submitter. Criteria: Invitae Variant Classification Sherloc (09022015). Collection method: clinical testing. Allele origin: germline.
Comment: Advanced modeling of protein sequence and biophysical properties (such as structural, functional, and spatial information, amino acid conservation, physicochemical variation, residue mobility, and thermodynamic stability) performed at Invitae indicates that this missense variant is expected to disrupt PIGB protein function. This sequence change replaces proline, which is neutral and non-polar, with alanine, which is neutral and non-polar, at codon 438 of the PIGB protein (p.Pro438Ala). This variant is not present in population databases (gnomAD no frequency). This variant has not been reported in the literature in individuals affected with PIGB-related conditions. ClinVar contains an entry for this variant (Variation ID: 2109604). In summary, the available evidence is currently insufficient to determine the role of this variant in disease. Therefore, it has been classified as a Variant of Uncertain Significance.